The following is an entry in ClinVar:

ClinVar aggregate classification (germline): Uncertain significance. Review status: criteria provided, multiple submitters, no conflicts (2 of 4 stars). 2 submissions from 2 submitters: Uncertain significance (2). Last evaluated 2024-11-10.

Allele frequency attached by ClinVar (database versions not stated): gnomAD exomes 0.00001; TOPMed 0.00005.
gnomAD v4.1: 14 of 1,613,408 alleles (0.00087%); highest among the groups gnomAD compares: African/African-American, 0.008%; no homozygotes.

Submissions (2):

Labcorp Genetics (formerly Invitae), Labcorp
Classification: Uncertain significance. Last evaluated: 2024-11-10. Review status: criteria provided, single submitter. Criteria: Invitae Variant Classification Sherloc (09022015). Collection method: clinical testing. Allele origin: germline.
Comment: This sequence change replaces valine, which is neutral and non-polar, with isoleucine, which is neutral and non-polar, at codon 74 of the CLCN2 protein (p.Val74Ile). This variant also falls at the last nucleotide of exon 2, which is part of the consensus splice site for this exon. This variant is present in population databases (no rsID available, gnomAD 0.008%). This variant has not been reported in the literature in individuals affected with CLCN2-related conditions. ClinVar contains an entry for this variant (Variation ID: 1318957). An algorithm developed to predict the effect of missense changes on protein structure and function outputs the following: PolyPhen-2: "Benign". The isoleucine amino acid residue is found in multiple mammalian species, which suggests that this missense change does not adversely affect protein function. Variants that disrupt the consensus splice site are a relatively common cause of aberrant splicing (PMID: 17576681, 9536098). In summary, the available evidence is currently insufficient to determine the role of this variant in disease. Therefore, it has been classified as a Variant of Uncertain Significance.

GeneDx
Classification: Uncertain significance. Last evaluated: 2021-01-13. Review status: criteria provided, single submitter. Criteria: GeneDx Variant Classification Process June 2021. Collection method: clinical testing. Allele origin: germline. Affected: yes.
Comment: In silico analysis supports that this missense variant does not alter protein structure/function; In-silico analysis is inconclusive as to whether the variant alters gene splicing. In the absence of RNA/functional studies, the actual effect of this sequence change is unknown.; Has not been previously published as pathogenic or benign to our knowledge

Literature cited by the submitters: PubMed 17576681 (cited by Labcorp Genetics (formerly Invitae), Labcorp); PubMed 9536098 (cited by Labcorp Genetics (formerly Invitae), Labcorp).

NM_004366.6(CLCN2):c.220G>A (p.Val74Ile)

Gene: CLCN2 (chloride voltage-gated channel 2; minus strand). Cytogenetic location: 3q27.1.
Variant type: single nucleotide variant.
Coding change: c.220G>A on transcript NM_004366.6 (MANE Select); coding-DNA position 220, G replaced by A.
Protein change: p.Val74Ile; replaces valine 74 with isoleucine.
Molecular consequence: missense variant.
Genome position (GRCh38, 1-based): chr3:184,358,975, C>T on the plus strand (G>A on the coding strand, the complement: CLCN2 is on the minus strand). VCF-style: chr3-184358975-C-T. GRCh37 (hg19) VCF-style: chr3-184076763-C-T.
Other names: c.220G>A, p.Val74Ile (NM_001171087.3, NM_001171089.3); c.220G>A, p.Ala74Thr (NM_001171088.3); short protein forms A74T, V74I.
Identifiers: ClinVar variation 1318957 (VCV001318957.4), dbSNP rs900043851, ClinGen allele CA88900063.